The following is an entry in ClinVar:

NM_001557.4(CXCR2):c.461C>T (p.Thr154Ile)

Gene: CXCR2 (C-X-C motif chemokine receptor 2; plus strand). Cytogenetic location: 2q35.
Variant type: single nucleotide variant.
Coding change: c.461C>T on transcript NM_001557.4 (MANE Select); coding-DNA position 461, C replaced by T.
Protein change: p.Thr154Ile; replaces threonine 154 with isoleucine.
Molecular consequence: missense variant.
Genome position (GRCh38, 1-based): chr2:218,135,262, C>T. VCF-style: chr2-218135262-C-T. GRCh37 (hg19) VCF-style: chr2-218999985-C-T.
Other names: c.461C>T, p.Thr154Ile (NM_001168298.2); short protein forms T154I.
Identifiers: ClinVar variation 1484518 (VCV001484518.8), dbSNP rs766059153, ClinGen allele CA2101706.

ClinVar aggregate classification (germline): Uncertain significance (1 of 4 stars; one submission).

Allele frequency attached by ClinVar (database versions not stated): gnomAD exomes below 0.00001; ExAC 0.00001; gnomAD 0.00001; TOPMed 0.00003.
gnomAD v4.1: 40 of 1,614,106 alleles (0.0025%); highest among the groups gnomAD compares: South Asian, 0.0033%; no homozygotes.

Submission:

Labcorp Genetics (formerly Invitae), Labcorp
Classification: Uncertain significance. Last evaluated: 2022-06-16. Review status: criteria provided, single submitter. Criteria: Invitae Variant Classification Sherloc (09022015). Collection method: clinical testing. Allele origin: germline.
Comment: In summary, the available evidence is currently insufficient to determine the role of this variant in disease. Therefore, it has been classified as a Variant of Uncertain Significance. Algorithms developed to predict the effect of missense changes on protein structure and function are either unavailable or do not agree on the potential impact of this missense change (SIFT: "Tolerated"; PolyPhen-2: "Probably Damaging"; Align-GVGD: "Class C0"). This variant has not been reported in the literature in individuals affected with CXCR2-related conditions. This variant is present in population databases (rs766059153, gnomAD 0.003%). This sequence change replaces threonine, which is neutral and polar, with isoleucine, which is neutral and non-polar, at codon 154 of the CXCR2 protein (p.Thr154Ile).